The following is an entry in ClinVar:

NM_004360.5(CDH1):c.1312del (p.Thr438fs)

Gene: CDH1 (cadherin 1; plus strand). Cytogenetic location: 16q22.1.
Variant type: Deletion.
Coding change: c.1312del on transcript NM_004360.5 (MANE Select); coding-DNA position 1312, one base deleted (A; older notation c.1312delA).
Protein change: p.Thr438fs; shifts the reading frame from threonine 438.
Molecular consequence: frameshift variant. On other transcripts: 5 prime UTR variant (2), intron variant (1).
Genome position (GRCh38, 1-based): chr16:68,813,487, A deleted; the last of 4 consecutive A bases (chr16:68,813,484-68,813,487); deleting any one gives the same sequence. VCF-style (leftmost placement, unchanged base first): chr16-68813483-GA-G. GRCh37 (hg19) VCF-style: chr16-68847386-GA-G.
Other names: c.-304del (NM_001317185.2); c.-508del (NM_001317186.2); c.1137+1224del (NM_001317184.2); c.1312del (LRG_301t1); short protein forms T438fs.
Identifiers: ClinVar variation 545807 (VCV000545807.5), dbSNP rs1555515920, ClinGen allele CA658824987.

ClinVar aggregate classification (germline): Pathogenic. Review status: reviewed by expert panel (3 of 4 stars). 3 submissions from 3 submitters: Pathogenic (1). 2 of the submissions do not count toward it. Last evaluated 2023-08-04.

Conditions:
CDH1-related diffuse gastric and lobular breast cancer syndrome. Also called: CDH1-related diffuse gastric and lobular breast cancer. Identifiers: MedGen CN311521, MONDO:0100488.
Hereditary diffuse gastric adenocarcinoma (HDGC). Also called: DIFFUSE GASTRIC AND LOBULAR BREAST CANCER SYNDROME. Identifiers: Orphanet 26106, MedGen C1708349, MONDO:0007648, OMIM 137215.

Submissions (3):

Clingen Gastric Cancer Variant Curation Expert Panel
Classification: Pathogenic for CDH1-related diffuse gastric and lobular breast cancer syndrome. Last evaluated: 2023-08-04. Review status: reviewed by expert panel. Criteria: ClinGen CDH1 ACMG Specifications V3.1. Collection method: curation. Allele origin: germline. Inheritance: Autosomal dominant inheritance.
Comment: The c.1312delA p.(Thr438fs) variant is predicted to result in a premature stop codon that leads to nonsense mediate decay (PVS1 and PM5_supporting). The variant is absent in the gnomAD cohort (PM2_supporting). Therefore, this variant meets criteria to be classified as pathogenic based on the ACMG/AMP criteria applied as specified by the CDH1 Variant Curation Expert Panel (CDH1 VCEP specifications version 3.1): PVS1, PM2_supporting, PM5_supporting.

Myriad Genetics, Inc.
Classification: Pathogenic for Hereditary diffuse gastric adenocarcinoma. Last evaluated: 2023-06-13. Review status: criteria provided, single submitter. Criteria: Myriad Autosomal Dominant, Autosomal Recessive and X-Linked Classification Criteria (2023). Collection method: clinical testing. Allele origin: unknown. Not counted in ClinVar's aggregate classification.
Comment: This variant is considered pathogenic. This variant creates a frameshift predicted to result in premature protein truncation.

GeneDx
Classification: Likely pathogenic. Last evaluated: 2017-07-21. Review status: criteria provided, single submitter. Criteria: GeneDx Variant Classification (06012015). Collection method: clinical testing. Allele origin: germline. Affected: yes. Not counted in ClinVar's aggregate classification.
Comment: This deletion of one nucleotide in CDH1 is denoted c.1312delA at the cDNA level and p.Thr438GlnfsX17 (T438QfsX17) at the protein level. The normal sequence, with the base that is deleted in brackets, is GAAA[delA]CAGC. The deletion causes a frameshift which changes a Threonine to a Glutamine at codon 438, and creates a premature stop codon at position 17 of the new reading frame. Although this variant has not, to our knowledge, been reported in the literature, it is predicted to cause loss of normal protein function through either protein truncation or nonsense-mediated mRNA decay. Based on the currently available evidence, we consider this deletion to be a likely pathogenic variant.